The following is an entry in ClinVar:

NM_003748.4(ALDH4A1):c.1261T>C (p.Cys421Arg)

Gene: ALDH4A1 (aldehyde dehydrogenase 4 family member A1; minus strand). Cytogenetic location: 1p36.13.
Variant type: single nucleotide variant.
Coding change: c.1261T>C on transcript NM_003748.4 (MANE Select); coding-DNA position 1261, T replaced by C.
Protein change: p.Cys421Arg; replaces cysteine 421 with arginine.
Molecular consequence: missense variant. On other transcripts: intron variant (1).
Genome position (GRCh38, 1-based): chr1:18,876,392, A>G on the plus strand (T>C on the coding strand, the complement: ALDH4A1 is on the minus strand). VCF-style: chr1-18876392-A-G. GRCh37 (hg19) VCF-style: chr1-19202886-A-G.
Other names: c.1081T>C, p.Cys361Arg (NM_001161504.2); c.1261T>C, p.Cys421Arg (NM_170726.3); c.1185+816T>C (NM_001319218.2); c.1261T>C (NM_170726.2); short protein forms C421R, C361R.
Identifiers: ClinVar variation 294372 (VCV000294372.63), dbSNP rs149414160, ClinGen allele CA646978.

ClinVar aggregate classification (germline): Conflicting classifications of pathogenicity. Review status: criteria provided, conflicting classifications (1 of 4 stars). 6 submissions from 6 submitters: Uncertain significance (4); Likely benign (1). 1 of the submissions does not count toward it. Last evaluated 2025-12-29.

Conditions:
ALDH4A1-related disorder. Also called: ALDH4A1-related condition.
Hyperprolinemia type 2 (HYRPRO2). Also called: Deficiency of pyrroline-5-carboxylate reductase; 1-PYRROLINE-5-CARBOXYLATE DEHYDROGENASE DEFICIENCY; Delta-1-pyrroline-5-carboxylate dehydrogenase deficiency. Identifiers: Orphanet 79101, MedGen C2931835, MONDO:0009401, OMIM 239510.

Allele frequency attached by ClinVar (database versions not stated): 1000 Genomes Project 30x 0.00016; 1000 Genomes Project 0.00020; ESP Exome Variant Server 0.00062; TOPMed 0.00071; gnomAD 0.00089 and 0.00090; gnomAD exomes 0.00134 and 0.00145; ExAC 0.00165.
gnomAD v4.1: 2,089 of 1,613,456 alleles (0.13%); highest among the groups gnomAD compares: South Asian, 0.31%; 7 homozygotes.

Submissions (6):

Labcorp Genetics (formerly Invitae), Labcorp
Classification: Likely benign for Hyperprolinemia type 2. Last evaluated: 2025-12-29. Review status: criteria provided, single submitter. Criteria: Invitae Variant Classification Sherloc (09022015). Collection method: clinical testing. Allele origin: germline.

GeneDx
Classification: Uncertain significance. Last evaluated: 2022-10-07. Review status: criteria provided, single submitter. Criteria: GeneDx Variant Classification Process June 2021. Collection method: clinical testing. Allele origin: germline. Affected: yes.
Comment: In silico analysis supports that this missense variant has a deleterious effect on protein structure/function; Has not been previously published as pathogenic or benign to our knowledge

Revvity Omics, Revvity
Classification: Uncertain significance for Hyperprolinemia type 2. Last evaluated: 2022-03-30. Review status: criteria provided, single submitter. Criteria: ACMG Guidelines, 2015. Collection method: clinical testing. Allele origin: germline.

Illumina Laboratory Services, Illumina
Classification: Uncertain significance for Hyperprolinemia type 2. Last evaluated: 2018-01-13. Review status: criteria provided, single submitter. Criteria: ICSL Variant Classification Criteria 13 December 2019. Collection method: clinical testing. Allele origin: germline.

CeGaT Center for Human Genetics Tuebingen
Classification: Uncertain significance. Last evaluated: 2017-04-01. Review status: criteria provided, single submitter. Criteria: CeGaT Center For Human Genetics Tuebingen Variant Classification Criteria Version 2. Collection method: clinical testing. Allele origin: germline. Affected: yes. Observed: 1 variant allele.

PreventionGenetics, part of Exact Sciences
Classification: Likely benign for ALDH4A1-related condition. Last evaluated: 2020-01-06. Review status: no assertion criteria provided. Collection method: clinical testing. Allele origin: germline. Not counted in ClinVar's aggregate classification.
Comment: This variant is classified as likely benign based on ACMG/AMP sequence variant interpretation guidelines (Richards et al. 2015 PMID: 25741868, with internal and published modifications).